The following is an entry in ClinVar:

ClinVar aggregate classification (germline): Conflicting classifications of pathogenicity. Review status: criteria provided, conflicting classifications (1 of 4 stars). 3 submissions from 3 submitters: Uncertain significance (1); Benign (1); Likely benign (1). Last evaluated 2025-07-27.

Conditions:
Wolfram syndrome 1 (WFS1). Identifiers: Orphanet 3463, MedGen C4551693, MONDO:0009101, OMIM 222300.

Allele frequency attached by ClinVar (database versions not stated): gnomAD 0.00001; TOPMed 0.00001; gnomAD exomes 0.00006.
gnomAD v4.1: 87 of 1,612,790 alleles (0.0054%); highest among the groups gnomAD compares: Non-Finnish European, 0.0073%; no homozygotes.

Submissions (3):

Labcorp Genetics (formerly Invitae), Labcorp
Classification: Likely benign. Last evaluated: 2025-07-27. Review status: criteria provided, single submitter. Criteria: Invitae Variant Classification Sherloc (09022015). Collection method: clinical testing. Allele origin: germline.

GeneDx
Classification: Uncertain significance. Last evaluated: 2023-11-02. Review status: criteria provided, single submitter. Criteria: GeneDx Variant Classification Process June 2021. Collection method: clinical testing. Allele origin: germline. Affected: yes.
Comment: Not observed at significant frequency in large population cohorts (gnomAD); Has not been previously published as pathogenic or benign to our knowledge; In silico analysis suggests this variant may impact gene splicing. In the absence of RNA/functional studies, the actual effect of this sequence change is unknown.

Clinical Genomics, Uppaluri K&H Personalized Medicine Clinic
Classification: Benign for Wolfram syndrome 1. Review status: criteria provided, single submitter. Criteria: K & H Uppaluri Personalized Medicine Clinic Variant Classification & Assertion Criteria_Updated V.1. Collection method: research. Allele origin: unknown. Inheritance: Autosomal recessive inheritance.
Comment: Potent mutations in WFS1 gene are associated with Wolfram's syndrome, an autosomal recessive condition, which cause diabetes mellitus, diabetes insipidus, deafness and optic atrophy. However no sufficient evidence is found to ascertain the role of this particular variant rs954971844 in Wolfram's syndrome yet.

Literature cited by the submitters: PubMed 20738327 (cited by Clinical Genomics, Uppaluri K&H Personalized Medicine Clinic); PubMed 33879153 (cited by Clinical Genomics, Uppaluri K&H Personalized Medicine Clinic); PubMed 12955714 (cited by Clinical Genomics, Uppaluri K&H Personalized Medicine Clinic); PubMed 18060660 (cited by Clinical Genomics, Uppaluri K&H Personalized Medicine Clinic); PubMed 20301750 (cited by Clinical Genomics, Uppaluri K&H Personalized Medicine Clinic); PubMed 17603484 (cited by Clinical Genomics, Uppaluri K&H Personalized Medicine Clinic).

NM_006005.3(WFS1):c.615C>T (p.Gly205=)

Gene: WFS1 (wolframin ER transmembrane glycoprotein; plus strand). Cytogenetic location: 4p16.1.
Variant type: single nucleotide variant.
Coding change: c.615C>T on transcript NM_006005.3 (MANE Select); coding-DNA position 615, C replaced by T.
Protein change: p.Gly205=; no amino-acid change (glycine 205 retained).
Molecular consequence: synonymous variant.
Genome position (GRCh38, 1-based): chr4:6,291,351, C>T. VCF-style: chr4-6291351-C-T. GRCh37 (hg19) VCF-style: chr4-6293078-C-T.
Other names: c.615C>T, p.Gly205= (NM_001145853.1).
Identifiers: ClinVar variation 1810335 (VCV001810335.7), dbSNP rs954971844, ClinGen allele CA91794581.